The following is an entry in ClinVar:

ClinVar aggregate classification (germline): Pathogenic. Review status: criteria provided, single submitter (1 of 4 stars). 2 submissions from 2 submitters: Pathogenic (1). 1 of the submissions does not count toward it. Last evaluated 2026-02-01.

Conditions:
alpha Thalassemia. Also called: Alpha thalassemia spectrum. Identifiers: Orphanet 846, MedGen C0002312, MONDO:0011399, OMIM 604131.

Submissions (2):

Department of Otolaryngology Head and Neck Surgery, Hainan Hospital of the Chinese People’s Liberation Army General Hospital
Classification: Pathogenic for alpha Thalassemia. Last evaluated: 2026-02-01. Review status: criteria provided, single submitter. Criteria: ACMG Guidelines, 2015. Collection method: clinical testing. Allele origin: germline. Affected: yes.
Comment: This variant is a heterozygous 4.2-kb leftward deletion (-α4.2) in the alpha-globin gene cluster. The -α4.2 deletion is a common cause of αthalassemia. It results from a recombination event involving the normal 5' alpha-globin gene. The 4.2-kilobase deletion deletes the alpha 2-globin gene, which has a higher output than the alpha 1-gene. Individuals heterozygous for this deletion are typically asymptomatic or have very mild microcytic anemia. Homozygotes for the leftward 4.2-kilobase deletion (-α4.2) have significantly higher levels of Hb Bart's at birth than homozygotes for the rightward 3.7-kilobase deletion. The classification of this variant as pathogenic is based on its well-established role in reducing alpha-globin chain synthesis, leading to the characteristic hematological features of alpha-thalassemia

MOLECULAR BIOLOGY AND HUMAN GENETICS DIVISION, THE UNIVERSITY OF BURDWAN
Classification: Pathogenic for alpha Thalassemia. Last evaluated: 2025-04-21. Review status: no assertion criteria provided. Collection method: research. Allele origin: germline. Affected: yes. Observed: 19 variant alleles. Not counted in ClinVar's aggregate classification.
Comment: When this deletion present in the homozygous condition, it significantly reduces the Alpha globin gene product

Cause alpha thalassemia when present in homozygous condition associated with other beta mutation, commonly occuring in the Bengali Population

Literature cited by the submitters: PubMed 37615562 (cited by Department of Otolaryngology Head and Neck Surgery, Hainan Hospital of the Chinese People’s Liberation Army General Hospital); PubMed 3384694 (cited by Department of Otolaryngology Head and Neck Surgery, Hainan Hospital of the Chinese People’s Liberation Army General Hospital); PubMed 7440717 (cited by Department of Otolaryngology Head and Neck Surgery, Hainan Hospital of the Chinese People’s Liberation Army General Hospital); PubMed 14500599 (cited by MOLECULAR BIOLOGY AND HUMAN GENETICS DIVISION, THE UNIVERSITY OF BURDWAN).

NC_000016.10:g.169818_174075del

Genes: HBA2 (hemoglobin subunit alpha 2; plus strand), LOC106804612 (hemoglobin subunit alpha 2 recombination region; plus strand). Cytogenetic location: 16p13.3.
Variant type: Deletion.
Genome position: GRCh38: chr16:169,818-174,075. GRCh37 (hg19): chr16:219,817-224,074.
Identifiers: ClinVar variation 3893268 (VCV003893268.2).